The following is an entry in ClinVar:

NM_006662.3(SRCAP):c.1856G>A (p.Arg619Gln)

Gene: SRCAP (Snf2 related CREBBP activator protein; plus strand). Cytogenetic location: 16p11.2.
Variant type: single nucleotide variant.
Coding change: c.1856G>A on transcript NM_006662.3 (MANE Select); coding-DNA position 1856, G replaced by A.
Protein change: p.Arg619Gln; replaces arginine 619 with glutamine.
Molecular consequence: missense variant.
Genome position (GRCh38, 1-based): chr16:30,712,302, G>A. VCF-style: chr16-30712302-G-A. GRCh37 (hg19) VCF-style: chr16-30723623-G-A.
Other names: short protein forms R619Q.
Identifiers: ClinVar variation 1311970 (VCV001311970.2), dbSNP rs2151288671, ClinGen allele CA395606983.

ClinVar aggregate classification (germline): Uncertain significance (1 of 4 stars; one submission).

gnomAD v4.1: 1 of 1,605,648 alleles (0.000062%); highest among the groups gnomAD compares: South Asian, 0.0011%; no homozygotes.

Submission:

GeneDx
Classification: Uncertain significance. Last evaluated: 2020-02-01. Review status: criteria provided, single submitter. Criteria: GeneDx Variant Classification Process June 2021. Collection method: clinical testing. Allele origin: germline. Affected: yes.
Comment: In silico analysis supports that this missense variant has a deleterious effect on protein structure/function; Not observed in large population cohorts (Lek et al., 2016); Has not been previously published as pathogenic or benign to our knowledge